The following is an entry in ClinVar:

NM_024757.5(EHMT1):c.1089T>C (p.Gly363=)

Gene: EHMT1 (euchromatic histone lysine methyltransferase 1; plus strand). Cytogenetic location: 9q34.3.
Variant type: single nucleotide variant.
Coding change: c.1089T>C on transcript NM_024757.5 (MANE Select); coding-DNA position 1089, T replaced by C.
Protein change: p.Gly363=; no amino-acid change (glycine 363 retained).
Molecular consequence: synonymous variant.
Genome position (GRCh38, 1-based): chr9:137,744,009, T>C. VCF-style: chr9-137744009-T-C. GRCh37 (hg19) VCF-style: chr9-140638461-T-C.
Other names: p.Gly363=; c.1089T>C, p.Gly363= (NM_001145527.2, NM_001354611.2); c.996T>C, p.Gly332= (NM_001354259.2, NM_001354612.2); c.1068T>C, p.Gly356= (NM_001354263.2).
Identifiers: ClinVar variation 65724 (VCV000065724.35), dbSNP rs1129768, ClinGen allele CA149280.

ClinVar aggregate classification (germline): Benign. Review status: criteria provided, multiple submitters, no conflicts (2 of 4 stars). 11 submissions from 11 submitters: Benign (8). 3 of the submissions do not count toward it. Last evaluated 2026-02-04.

Conditions:
Inborn genetic diseases. Identifiers: MedGen C0950123, MeSH D030342.
Kleefstra syndrome 1 (KLEFS1). Identifiers: Orphanet 261494, MedGen C0795833, MONDO:0027407, OMIM 610253.

Allele frequency attached by ClinVar (database versions not stated): gnomAD 0.49865 and 0.48734; gnomAD exomes 0.39484 and 0.36461; ExAC 0.39696; 1000 Genomes Project 0.46885; 1000 Genomes Project 30x 0.48798; ESP Exome Variant Server 0.50384; TOPMed 0.51897.
gnomAD v4.1: 608,039 of 1,613,856 alleles (38%); highest among the groups gnomAD compares: African/African-American, 81%; 125,574 homozygotes.

Submissions (11):

Labcorp Genetics (formerly Invitae), Labcorp
Classification: Benign for Kleefstra syndrome 1. Last evaluated: 2026-02-04. Review status: criteria provided, single submitter. Criteria: Invitae Variant Classification Sherloc (09022015). Collection method: clinical testing. Allele origin: germline.

Mayo Clinic Laboratories, Mayo Clinic
Classification: Benign. Last evaluated: 2021-11-29. Review status: criteria provided, single submitter. Criteria: ACMG Guidelines, 2015. Collection method: clinical testing. Allele origin: germline. Observed: 169 variant alleles.

Genome-Nilou Lab
Classification: Benign for Kleefstra syndrome 1. Last evaluated: 2021-07-30. Review status: criteria provided, single submitter. Criteria: ACMG Guidelines, 2015. Collection method: clinical testing. Allele origin: germline. Affected: no.

GeneDx
Classification: Benign. Last evaluated: 2018-07-18. Review status: criteria provided, single submitter. Criteria: GeneDx Variant Classification Process June 2021. Collection method: clinical testing. Allele origin: germline. Affected: yes.

Ambry Genetics
Classification: Benign for Inborn genetic diseases. Last evaluated: 2016-03-11. Review status: criteria provided, single submitter. Criteria: Ambry Variant Classification Scheme 2023. Collection method: clinical testing. Allele origin: germline.

Eurofins Ntd Llc (ga)
Classification: Benign. Last evaluated: 2014-09-25. Review status: criteria provided, single submitter. Criteria: EGL Classification Definitions 2015. Collection method: clinical testing. Allele origin: germline. Observed: 20 variant alleles, 16 heterozygotes, 4 homozygotes.

Breakthrough Genomics
Classification: Benign. Review status: criteria provided, single submitter. Criteria: ACMG Guidelines, 2015. Collection method: not provided. Allele origin: germline. Inheritance: Autosomal dominant inheritance. Affected: yes.

PreventionGenetics, part of Exact Sciences
Classification: Benign. Review status: criteria provided, single submitter. Criteria: ACMG Guidelines, 2015. Collection method: clinical testing. Allele origin: germline.

Diagnostic Laboratory, Department of Genetics, University Medical Center Groningen
Classification: Benign. Review status: no assertion criteria provided. Collection method: clinical testing. Allele origin: germline. Affected: yes. Study: VKGL Data-share Consensus. Not counted in ClinVar's aggregate classification.

Genetic Services Laboratory, University of Chicago
Classification: Likely benign for AllHighlyPenetrant. Review status: no assertion criteria provided. Collection method: clinical testing. Allele origin: germline. Inheritance: Autosomal dominant inheritance. Not counted in ClinVar's aggregate classification.
Comment: Likely benign based on allele frequency in 1000 Genomes Project or ESP global frequency and its presence in a patient with a rare or unrelated disease phenotype. NOT Sanger confirmed.

Joint Genome Diagnostic Labs from Nijmegen and Maastricht, Radboudumc and MUMC+
Classification: Benign. Review status: no assertion criteria provided. Collection method: clinical testing. Allele origin: germline. Affected: yes. Study: VKGL Data-share Consensus. Not counted in ClinVar's aggregate classification.